The following is an entry in ClinVar:

ClinVar aggregate classification (germline): Conflicting classifications of pathogenicity. Review status: criteria provided, conflicting classifications (1 of 4 stars). 2 submissions from 2 submitters: Uncertain significance (1); Likely benign (1). Last evaluated 2026-01-28.

Conditions:
Hereditary cancer-predisposing syndrome. Also called: Neoplastic Syndromes, Hereditary; Hereditary Cancer Syndrome; Hereditary neoplastic syndrome; Tumor predisposition. Identifiers: Orphanet 140162, MedGen C0027672, MeSH D009386, MONDO:0015356.

Allele frequency attached by ClinVar (database versions not stated): TOPMed 0.00001; gnomAD exomes 0.00002 and 0.00006; ExAC 0.00007.
gnomAD v4.1: 37 of 1,613,948 alleles (0.0023%); highest among the groups gnomAD compares: South Asian, 0.038%; no homozygotes.

Submissions (2):

Labcorp Genetics (formerly Invitae), Labcorp
Classification: Uncertain significance. Last evaluated: 2026-01-28. Review status: criteria provided, single submitter. Criteria: Invitae Variant Classification Sherloc (09022015). Collection method: clinical testing. Allele origin: germline.
Comment: This sequence change replaces serine, which is neutral and polar, with proline, which is neutral and non-polar, at codon 1117 of the POLE protein (p.Ser1117Pro). This variant is present in population databases (rs777793030, gnomAD 0.05%). This variant has not been reported in the literature in individuals affected with POLE-related conditions. ClinVar contains an entry for this variant (Variation ID: 540698). Invitae Evidence Modeling of protein sequence and biophysical properties (such as structural, functional, and spatial information, amino acid conservation, physicochemical variation, residue mobility, and thermodynamic stability) indicates that this missense variant is not expected to disrupt POLE protein function with a negative predictive value of 80%. In summary, the available evidence is currently insufficient to determine the role of this variant in disease. Therefore, it has been classified as a Variant of Uncertain Significance.

Ambry Genetics
Classification: Likely benign for Hereditary cancer-predisposing syndrome. Last evaluated: 2024-10-17. Review status: criteria provided, single submitter. Criteria: Ambry Variant Classification Scheme 2023. Collection method: clinical testing. Allele origin: germline.

NM_006231.4(POLE):c.3349T>C (p.Ser1117Pro)

Gene: POLE (DNA polymerase epsilon, catalytic subunit; minus strand). Cytogenetic location: 12q24.33.
Variant type: single nucleotide variant.
Coding change: c.3349T>C on transcript NM_006231.4 (MANE Select); coding-DNA position 3349, T replaced by C.
Protein change: p.Ser1117Pro; replaces serine 1117 with proline.
Molecular consequence: missense variant.
Genome position (GRCh38, 1-based): chr12:132,657,897, A>G on the plus strand (T>C on the coding strand, the complement: POLE is on the minus strand). VCF-style: chr12-132657897-A-G. GRCh37 (hg19) VCF-style: chr12-133234483-A-G.
Other names: short protein forms S1117P.
Identifiers: ClinVar variation 540698 (VCV000540698.13), dbSNP rs777793030, ClinGen allele CA6893271.